The following is an entry in ClinVar:

NM_001042432.2(CLN3):c.317delinsCC (p.Leu106fs)

Gene: CLN3 (CLN3 lysosomal/endosomal transmembrane protein, battenin; minus strand). Cytogenetic location: 16p12.1.
Variant type: Indel.
Coding change: c.317delinsCC on transcript NM_001042432.2 (MANE Select); coding-DNA position 317, T replaced by CC.
Protein change: p.Leu106fs; shifts the reading frame from leucine 106.
Molecular consequence: frameshift variant. On other transcripts: intron variant (1).
Genome position (GRCh38, 1-based): chr16:28,487,719, A replaced by GG on the plus strand (T replaced by CC on the coding strand, the reverse complement: CLN3 is on the minus strand). VCF-style: chr16-28487719-A-GG. GRCh37 (hg19) VCF-style: chr16-28499040-A-GG.
Other names: c.317delinsCC, p.Leu106fs (NM_000086.2); c.245delinsCC, p.Leu82fs (NM_001286104.2); c.83delinsCC, p.Leu28fs (NM_001286109.2); c.155delinsCC, p.Leu52fs (NM_001286110.2); c.75-178delinsCC (NM_001286105.2); short protein forms L106fs, L28fs, L52fs, L82fs.
Identifiers: ClinVar variation 4817051 (VCV004817051.1).
Genomic context (GRCh38, chr16:28,487,719, plus strand): 5'-GACCTGTAGGGCAGCAGGTGAAGGCCAAGAGGAGCCAACAATTTGATGACGAGTGTGGGG[A>GG]GGATGTCCGCCAGGAGCACAGCCTGGGACAGGAGAATAGAGTGAGACCGCAGAGCTTCCA-3'

ClinVar aggregate classification (germline): Likely pathogenic (1 of 4 stars; one submission).

Conditions:
Juvenile neuronal ceroid lipofuscinosis. Also called: Batten Disease. Identifiers: Orphanet 79264, MedGen CN293564, MONDO:0019262.

Submission:

Natera, Inc.
Classification: Likely pathogenic for Batten Disease. Last evaluated: 2026-01-22. Review status: criteria provided, single submitter. Criteria: Natera Variant Classification Schema (03/2026). Collection method: clinical testing. Allele origin: germline.
Comment: The c.317delinsCC variant in CLN3 is a frameshift variant predicted to shift the reading frame beginning at codon 106 and leads to a stop codon 54 codons downstream. This variant is expected to result in nonsense mediated decay, truncation, or a dysfunctional protein product. This variant is rare in the general population with a frequency below the threshold expected for the associated phenotype(s). Given the available evidence, this variant is classified as Likely Pathogenic.